The following is an entry in ClinVar:

ClinVar aggregate classification (germline): Uncertain significance (0 of 4 stars; one submission).

Conditions:
KIDINS220-related disorder. Also called: KIDINS220-related condition.

gnomAD v4.1: 7 of 1,614,000 alleles (0.00043%); highest among the groups gnomAD compares: Non-Finnish European, 0.00059%; no homozygotes.

Submission:

PreventionGenetics, part of Exact Sciences
Classification: Uncertain significance for KIDINS220-related condition. Last evaluated: 2024-05-16. Review status: no assertion criteria provided. Collection method: clinical testing. Allele origin: germline.
Comment: The KIDINS220 c.4273G>C variant is predicted to result in the amino acid substitution p.Gly1425Arg. To our knowledge, this variant has not been reported in the literature or in a large population database, indicating this variant is rare. At this time, the clinical significance of this variant is uncertain due to the absence of conclusive functional and genetic evidence.

NM_020738.4(KIDINS220):c.4273G>C (p.Gly1425Arg)

Gene: KIDINS220 (kinase D interacting substrate 220; minus strand). Cytogenetic location: 2p25.1.
Variant type: single nucleotide variant.
Coding change: c.4273G>C on transcript NM_020738.4 (MANE Select); coding-DNA position 4273, G replaced by C.
Protein change: p.Gly1425Arg; replaces glycine 1425 with arginine.
Molecular consequence: missense variant. On other transcripts: intron variant (6).
Genome position (GRCh38, 1-based): chr2:8,731,763, C>G on the plus strand (G>C on the coding strand, the complement: KIDINS220 is on the minus strand). VCF-style: chr2-8731763-C-G. GRCh37 (hg19) VCF-style: chr2-8871893-C-G.
Other names: c.4276G>C, p.Gly1426Arg (NM_001348729.2); c.4219G>C, p.Gly1407Arg (NM_001348731.2); c.4216G>C, p.Gly1406Arg (NM_001348732.2); c.4105G>C, p.Gly1369Arg (NM_001348734.2); c.4102G>C, p.Gly1368Arg (NM_001348735.2); c.3976G>C, p.Gly1326Arg (NM_001348736.2); c.3882+1681G>C (NM_001348741.2, NM_001348742.2, NM_001348743.2); c.3996+1681G>C (NM_001348738.2); and 1 more; short protein forms G1326R, G1368R, G1369R, G1406R, G1407R, G1425R, G1426R.
Identifiers: ClinVar variation 3356914 (VCV003356914.1).